The following is an entry in ClinVar:

NM_020975.6(RET):c.2648C>A (p.Ala883Asp)

Gene: RET (ret proto-oncogene; plus strand). Cytogenetic location: 10q11.21.
Variant type: single nucleotide variant.
Coding change: c.2648C>A on transcript NM_020975.6 (MANE Select); coding-DNA position 2648, C replaced by A.
Protein change: p.Ala883Asp; replaces alanine 883 with aspartic acid.
Molecular consequence: missense variant.
Genome position (GRCh38, 1-based): chr10:43,120,121, C>A. VCF-style: chr10-43120121-C-A. GRCh37 (hg19) VCF-style: chr10-43615569-C-A.
Other names: c.2648C>A, p.Ala883Asp (NM_000323.2, NM_001406743.1, NM_001406744.1 and 4 more transcripts); c.1886C>A, p.Ala629Asp (NM_001355216.2); c.2519C>A, p.Ala840Asp (NM_001406761.1, NM_001406762.1, NM_001406764.1); c.2513C>A, p.Ala838Asp (NM_001406763.1, NM_001406765.1); c.2360C>A, p.Ala787Asp (NM_001406766.1, NM_001406767.1, NM_001406770.1); c.2384C>A, p.Ala795Asp (NM_001406768.1); c.2252C>A, p.Ala751Asp (NM_001406769.1, NM_001406772.1); c.2210C>A, p.Ala737Asp (NM_001406771.1, NM_001406773.1); and 10 more; short protein forms A883D, A629D, A448D, A539D, A584D, A488D, A553D, A641D.
Identifiers: ClinVar variation 618861 (VCV000618861.11), dbSNP rs1293645997, ClinGen allele CA376557142.

ClinVar aggregate classification (germline): Uncertain significance. Review status: criteria provided, multiple submitters, no conflicts (2 of 4 stars). 2 submissions from 2 submitters: Uncertain significance (2). Last evaluated 2023-06-28.

Conditions:
Hereditary cancer-predisposing syndrome. Also called: Neoplastic Syndromes, Hereditary; Hereditary neoplastic syndrome; Tumor predisposition; Hereditary Cancer Syndrome. Identifiers: Orphanet 140162, MedGen C0027672, MeSH D009386, MONDO:0015356.

gnomAD v4.1: 2 of 1,614,014 alleles (0.00012%); highest among the groups gnomAD compares: Non-Finnish European, 0.00017%; no homozygotes.

Submissions (2):

Ambry Genetics
Classification: Uncertain significance for Hereditary cancer-predisposing syndrome. Last evaluated: 2023-06-28. Review status: criteria provided, single submitter. Criteria: Ambry Variant Classification Scheme 2023. Collection method: clinical testing. Allele origin: germline.
Comment: The p.A883D variant (also known as c.2648C>A), located in coding exon 15 of the RET gene, results from a C to A substitution at nucleotide position 2648. The alanine at codon 883 is replaced by aspartic acid, an amino acid with dissimilar properties. A variant affecting the same codon p.A883F (c.2647_2648delGCinsTT) has been observed in multiple individuals clinically diagnosed with MEN 2B with a personal and/or family history that is consistent with RET-related disease, and was reported as de novo in at least 2 unrelated probands (Smith DP et al. Oncogene, 1997 Sep;15:1213-7; Gimm O et al. J Clin Endocrinol Metab, 1997 Nov;82:3902-4; Jasim S et al. Thyroid, 2011 Feb;21:189-92; Mathiesen JS et al. Thyroid, 2015 Jan;25:139-40; Raue F et al. J Clin Endocrinol Metab, 2018 Jan;103:235-243; Fussey JM et al. Clin Endocrinol (Oxf), 2021 Aug;95:295-302). This amino acid position is highly conserved in available vertebrate species. In addition, this alteration is predicted to be deleterious by in silico analysis. Since supporting evidence is limited at this time, the clinical significance of this alteration remains unclear.

ARUP Laboratories, Molecular Genetics and Genomics, ARUP Laboratories
Classification: Uncertain significance. Last evaluated: 2018-04-15. Review status: criteria provided, single submitter. Criteria: ARUP Molecular Germline Variant Investigation Process. Collection method: clinical testing. Allele origin: germline.
Comment: The RET c.2648C>A; p.Ala883Asp variant, to our knowledge, is not reported in the medical literature or in gene-specific databases. It is also absent from general population databases (1000 Genomes Project, Exome Variant Server, and Genome Aggregation Database), indicating it is not a common polymorphism. The alanine at codon 883 is highly conserved and computational algorithms (PolyPhen-2, SIFT) predict this variant to be deleterious. Additionally, other variants at this position (p.Ala883Thr, p.Ala883Phe) have been described. The p.Ala883Thr variant has been reported in the homozygous state in at least 2 individuals affected with medullary thyroid cancer, however, family members that carry this variant in the heterozygous state were unaffected (Elisei 2004). The p.Ala883Phe variant has been identified in the heterozygous state in individuals with multiple endocrine neoplasia type 2B (Jasmin 2011, Smith 1997) and is associated with a less aggressive form of disease than seen with other common pathogenic RET variants (Jasmin 2011). Due to the lack of clinical and functional data regarding the p.Ala883Asp variant, its clinical significance cannot be determined with certainty. References: Elisei R et al. Identification of a novel point mutation in the RET gene (Ala883Thr), which is associated with medullary thyroid carcinoma phenotype only in homozygous condition. J Clin Endocrinol Metab. 2004 Nov;89(11):5823-7. Jasmin S et al. Multiple endocrine neoplasia type 2B with a RET proto-oncogene A883F mutation displays a more indolent form of medullary thyroid carcinoma compared with a RET M918T mutation. Thyroid. 2011 Feb;21(2):189-92. Smith D et al. Germline mutation of RET codon 883 in two cases of de novo MEN 2B. Oncogene. 1997 Sep 4;15(10):1213-7.